The following is an entry in ClinVar:

NM_001999.4(FBN2):c.5823T>C (p.His1941=)

Gene: FBN2 (fibrillin 2; minus strand). Cytogenetic location: 5q23.3.
Variant type: single nucleotide variant.
Coding change: c.5823T>C on transcript NM_001999.4 (MANE Select); coding-DNA position 5823, T replaced by C.
Protein change: p.His1941=; no amino-acid change (histidine 1941 retained).
Molecular consequence: synonymous variant.
Genome position (GRCh38, 1-based): chr5:128,303,067, A>G on the plus strand (T>C on the coding strand, the complement: FBN2 is on the minus strand). VCF-style: chr5-128303067-A-G. GRCh37 (hg19) VCF-style: chr5-127638759-A-G.
Other names: p.H1941H:CAT>CAC; p.His1941=.
Identifiers: ClinVar variation 129044 (VCV000129044.40), dbSNP rs11955288, ClinGen allele CA288827.

ClinVar aggregate classification (germline): Benign. Review status: criteria provided, multiple submitters, no conflicts (2 of 4 stars). 11 submissions from 11 submitters: Benign (11). Last evaluated 2026-02-04.

Conditions:
Familial thoracic aortic aneurysm and aortic dissection (TAAD). Also called: Thoracic aortic aneurysms and dissections. Identifiers: Orphanet 91387, MedGen C4707243, MONDO:0019625.
Congenital contractural arachnodactyly (CCA). Also called: Arthrogryposis, distal, type 9; Beals-Hecht syndrome; BEALS SYNDROME. Identifiers: Orphanet 115, MedGen C0220668, MONDO:0007363, OMIM 121050.

Allele frequency attached by ClinVar (database versions not stated): 1000 Genomes Project 30x 0.09072; 1000 Genomes Project 0.09285; gnomAD exomes 0.09372 and 0.10045; gnomAD 0.09446 and 0.09475; ExAC 0.09488; TOPMed 0.09534; ESP Exome Variant Server 0.10411.
gnomAD v4.1: 160,572 of 1,607,754 alleles (10%); highest among the groups gnomAD compares: Middle Eastern, 12%; 8,435 homozygotes.

Submissions (11):

Labcorp Genetics (formerly Invitae), Labcorp
Classification: Benign for Congenital contractural arachnodactyly. Last evaluated: 2026-02-04. Review status: criteria provided, single submitter. Criteria: Invitae Variant Classification Sherloc (09022015). Collection method: clinical testing. Allele origin: germline.

ARUP Laboratories, Molecular Genetics and Genomics, ARUP Laboratories
Classification: Benign. Last evaluated: 2025-07-29. Review status: criteria provided, single submitter. Criteria: ARUP Molecular Germline Variant Investigation Process 2024. Collection method: clinical testing. Allele origin: germline.

Blueprint Genetics
Classification: Benign. Last evaluated: 2024-11-26. Review status: criteria provided, single submitter. Criteria: ACMG Guidelines, 2015. Collection method: clinical testing. Allele origin: germline.

Illumina Laboratory Services, Illumina
Classification: Benign for Congenital contractural arachnodactyly. Last evaluated: 2018-01-12. Review status: criteria provided, single submitter. Criteria: ICSL Variant Classification Criteria 13 December 2019. Collection method: clinical testing. Allele origin: germline.
Comment: This variant was observed in the ICSL laboratory as part of a predisposition screen in an ostensibly healthy population. It had not been previously curated by ICSL or reported in the Human Gene Mutation Database (HGMD: prior to June 1st, 2018), and was therefore a candidate for classification through an automated scoring system. Utilizing variant allele frequency, disease prevalence and penetrance estimates, and inheritance mode, an automated score was calculated to assess if this variant is too frequent to cause the disease. Based on the score and internal cut-off values, a variant classified as benign is not then subjected to further curation. The score for this variant resulted in a classification of benign for this disease.

Women's Health and Genetics/Laboratory Corporation of America, LabCorp
Classification: Benign. Last evaluated: 2017-03-22. Review status: criteria provided, single submitter. Criteria: LabCorp Variant Classification Summary - May 2015. Collection method: clinical testing. Allele origin: germline.
Comment: Variant summary: The FBN2 c.5823T>C (p.His1941His) variant involves the alteration of a non-conserved nucleotide, resulting in a synonymous change and 5/5 splice prediction tools predict no significant impact on normal splicing. ESE finder predicts that this variant may affect ESE sites at the locus. However, these predictions have yet to be confirmed by functional studies. This variant was found in the large control database ExAC at a frequency of 0.0948795 (11503/121238 control chromosomes [584 homozygotes]), which is approximately 75904 times the estimated maximal expected allele frequency of a pathogenic FBN2 variant (0.0000013), suggesting this variant is likely a benign polymorphism. In addition, multiple clinical diagnostic laboratories/reputable databases classified this variant as benign. To our knowledge, the variant of interest has not been reported in affected individuals via publications, nor has it been evaluated for functional impact by in vivo/vitro studies. Taken together, this variant is classified as benign.

Ambry Genetics
Classification: Benign for Familial thoracic aortic aneurysm and aortic dissection. Last evaluated: 2014-11-19. Review status: criteria provided, single submitter. Criteria: Ambry Variant Classification Scheme 2023. Collection method: clinical testing. Allele origin: germline.

Mayo Clinic Laboratories, Mayo Clinic
Classification: Benign. Last evaluated: 2014-01-31. Review status: criteria provided, single submitter. Criteria: ACMG Guidelines, 2015. Collection method: clinical testing. Allele origin: germline. Observed: 281 variant alleles.

Genetic Services Laboratory, University of Chicago
Classification: Benign for AllHighlyPenetrant. Last evaluated: 2013-08-15. Review status: criteria provided, single submitter. Criteria: ACMG Guidelines, 2007. Collection method: clinical testing. Allele origin: germline. Inheritance: Autosomal dominant inheritance.

Laboratory for Molecular Medicine, Mass General Brigham Personalized Medicine
Classification: Benign. Last evaluated: 2013-04-04. Review status: criteria provided, single submitter. Criteria: LMM Criteria. Collection method: clinical testing. Allele origin: germline. Observed: 2 variant alleles.
Comment: His1941His in exon 46 of FBN2: This variant is not expected to have clinical sig nificance because it does not alter an amino acid residue and is not located wit hin the splice consensus sequence. It has been identified in 10.6% (466/4406) of African American chromosomes from a broad population by the NHLBI Exome Sequenc ing Project (dbSNP rs11955288).

GeneDx
Classification: Benign. Last evaluated: 2012-11-05. Review status: criteria provided, single submitter. Criteria: GeneDx Variant Classification (06012015). Collection method: clinical testing. Allele origin: germline. Affected: yes.
Comment: This variant is considered likely benign or benign based on one or more of the following criteria: it is a conservative change, it occurs at a poorly conserved position in the protein, it is predicted to be benign by multiple in silico algorithms, and/or has population frequency not consistent with disease.

PreventionGenetics, part of Exact Sciences
Classification: Benign. Review status: criteria provided, single submitter. Criteria: ACMG Guidelines, 2015. Collection method: clinical testing. Allele origin: germline.